The following is an entry in ClinVar:

NM_001085372.3(UQCC3):c.1A>G (p.Met1Val)

Genes: LBHD1 (LBH domain containing 1; minus strand), UQCC3 (ubiquinol-cytochrome c reductase complex assembly factor 3; plus strand). Cytogenetic location: 11q12.3.
Variant type: single nucleotide variant.
Coding change: c.1A>G on transcript NM_001085372.3 (MANE Select); coding-DNA position 1, A replaced by G.
Protein change: p.Met1Val; changes the start codon (methionine 1).
Molecular consequence: missense variant, initiator codon variant. On other transcripts: 5 prime UTR variant (8).
Genome position (GRCh38, 1-based): chr11:62,671,746, A>G. VCF-style: chr11-62671746-A-G. GRCh37 (hg19) VCF-style: chr11-62439218-A-G.
Other names: c.-193T>C (NM_001367940.2, NM_024099.5); c.-710T>C (NM_001367941.2); c.2T>C, p.Met1Thr (NM_001394596.1, NM_001394599.1, NM_001394601.1 and 1 more transcripts); c.-241T>C (NM_001394604.1, NM_001394607.1); c.-386T>C (NM_001394609.1); c.-317T>C (NM_001394611.1); c.-641T>C (NM_001394612.1); short protein forms M1T, M1V.
Identifiers: ClinVar variation 4885616 (VCV004885616.2).
Genomic context (GRCh38, chr11:62,671,746, plus strand): 5'-GGCAACAGCTTGCGGCTGCGGGGAGCTCCCGTGGGCGCTCCGCTGGCTGTGCAGGCGGCC[A>G]TGGATTCCTTGCGGAAAATGCTGATCTCAGTCGCAATGCTGGGCGCAGGGGCTGGCGTGG-3'
Protein context (NP_001078841.1, residues 1-11): [Met1Val]DSLRKMLISV

ClinVar aggregate classification (germline): Uncertain significance (1 of 4 stars; one submission).

Submission:

Dasa
Classification: Uncertain significance. Last evaluated: 2026-02-23. Review status: criteria provided, single submitter. Criteria: DASA Assertion Criteria. Collection method: clinical testing. Allele origin: germline.
Comment: NM_001085372.3(UQCC3):c.1A>G (p.Met1?) is a start-loss variant predicted to alter the translation initiation codon and impair normal protein translation. This variant is rare in population databases. The currently available literature and clinical evidence are not sufficient to establish a definitive association between this variant and the reported condition. Therefore, this variant is classified as a variant of uncertain significance.